The following is an entry in ClinVar:

NM_133433.4(NIPBL):c.65-5A>G

Gene: NIPBL (NIPBL cohesin loading factor; plus strand). Cytogenetic location: 5p13.2.
Variant type: single nucleotide variant.
Coding change: c.65-5A>G on transcript NM_133433.4 (MANE Select); 5 bases into the intron before coding-DNA position 65, A replaced by G.
Molecular consequence: intron variant.
Genome position (GRCh38, 1-based): chr5:36,955,467, A>G. VCF-style: chr5-36955467-A-G. GRCh37 (hg19) VCF-style: chr5-36955569-A-G.
Other names: c.65-5A>G (NM_015384.5).
Identifiers: ClinVar variation 159196 (VCV000159196.14), dbSNP rs587784012, ClinGen allele CA272233.

ClinVar aggregate classification (germline): Pathogenic/Likely pathogenic. Review status: criteria provided, multiple submitters, no conflicts (2 of 4 stars). 3 submissions from 3 submitters: Pathogenic (1); Likely pathogenic (2). Last evaluated 2024-06-02.

Conditions:
Cornelia de Lange syndrome 1 (CDLS1). Also called: Brachmann de Lange syndrome; NIPBL-Related Cornelia de Lange Syndrome; TYPUS DEGENERATIVUS AMSTELODAMENSIS. Identifiers: Orphanet 199, MedGen C4551851, MONDO:0007387, OMIM 122470.

Submissions (3):

Labcorp Genetics (formerly Invitae), Labcorp
Classification: Pathogenic for Cornelia de Lange syndrome 1. Last evaluated: 2024-06-02. Review status: criteria provided, single submitter. Criteria: Invitae Variant Classification Sherloc (09022015). Collection method: clinical testing. Allele origin: germline.
Comment: This sequence change falls in intron 2 of the NIPBL gene. It does not directly change the encoded amino acid sequence of the NIPBL protein. This variant is not present in population databases (gnomAD no frequency). This variant has been observed in individual(s) with Cornelia de Lange syndrome (PMID: 15318302, 17221863, 17661813). In at least one individual the variant was observed to be de novo. ClinVar contains an entry for this variant (Variation ID: 159196). Algorithms developed to predict the effect of sequence changes on RNA splicing suggest that this variant may disrupt the consensus splice site. For these reasons, this variant has been classified as Pathogenic.

Genome-Nilou Lab
Classification: Likely pathogenic for Cornelia de Lange syndrome 1. Last evaluated: 2021-07-15. Review status: criteria provided, single submitter. Criteria: ACMG Guidelines, 2015. Collection method: clinical testing. Allele origin: germline. Affected: no.

Genetic Services Laboratory, University of Chicago
Classification: Likely pathogenic for Cornelia de Lange syndrome 1. Last evaluated: 2013-02-08. Review status: criteria provided, single submitter. Criteria: ACMG Guidelines, 2007. Collection method: clinical testing. Allele origin: germline. Inheritance: Autosomal dominant inheritance. Affected: yes.

Literature cited by the submitters: PubMed 15318302 (cited by Labcorp Genetics (formerly Invitae), Labcorp); PubMed 17221863 (cited by Labcorp Genetics (formerly Invitae), Labcorp); PubMed 17661813 (cited by Labcorp Genetics (formerly Invitae), Labcorp).